The following is an entry in ClinVar:

NM_001378183.1(PIEZO2):c.6446A>G (p.His2149Arg)

Gene: PIEZO2 (piezo type mechanosensitive ion channel component 2; minus strand). Cytogenetic location: 18p11.22.
Variant type: single nucleotide variant.
Coding change: c.6446A>G on transcript NM_001378183.1 (MANE Select); coding-DNA position 6446, A replaced by G.
Protein change: p.His2149Arg; replaces histidine 2149 with arginine.
Molecular consequence: missense variant.
Genome position (GRCh38, 1-based): chr18:10,699,173, T>C on the plus strand (A>G on the coding strand, the complement: PIEZO2 is on the minus strand). VCF-style: chr18-10699173-T-C. GRCh37 (hg19) VCF-style: chr18-10699171-T-C.
Other names: c.6182A>G, p.His2061Arg (NM_001410871.1); c.6107A>G, p.His2036Arg (NM_022068.4); short protein forms H2149R, H2036R, H2061R.
Identifiers: ClinVar variation 5026657 (VCV005026657.1).
Genomic context (GRCh38, chr18:10,699,173, plus strand): 5'-TCATCTGATTCCTCCCTGGCCATGCCACTTTCAGTCATGTCATCTTCATCCCATAAGCCA[T>C]GGCACTGAGAAAGCAGGGACAGGGACAAATGAGGCTACTGTTTCAGGTGGAACCCTTGGT-3'
Protein context (NP_001365112.1, residues 2139-2159): LFFHRSILKC[His2149Arg]GLWDEDDMTE

ClinVar aggregate classification (germline): Uncertain significance (1 of 4 stars; one submission).

Conditions:
Inborn genetic diseases. Identifiers: MedGen C0950123, MeSH D030342.

gnomAD v4.1: 29 of 1,537,144 alleles (0.0019%); highest among the groups gnomAD compares: Non-Finnish European, 0.0022%; no homozygotes.

Submission:

Ambry Genetics
Classification: Uncertain significance for Inborn genetic diseases. Last evaluated: 2026-08-27. Review status: criteria provided, single submitter. Criteria: Ambry Variant Classification Scheme 2023. Collection method: clinical testing. Allele origin: germline.
Comment: The c.6107A>G (p.H2036R) alteration is located in exon 40 (coding exon 40) of the PIEZO2 gene. This alteration results from a A to G substitution at nucleotide position 6107, causing the histidine (H) at amino acid position 2036 to be replaced by an arginine (R). Based on data from gnomAD, the G allele has an overall frequency of 0.001% (1/141420) total alleles studied. The highest observed frequency was 0.002% (1/57914) of European (non-Finnish) alleles. Based on insufficient or conflicting evidence, the clinical significance of this alteration remains unclear.